The following is an entry in ClinVar:

NM_001048174.2(MUTYH):c.971C>A (p.Thr324Asn)

Gene: MUTYH (mutY DNA glycosylase; minus strand). Cytogenetic location: 1p34.1.
Variant type: single nucleotide variant.
Coding change: c.971C>A on transcript NM_001048174.2 (MANE Select); coding-DNA position 971, C replaced by A.
Protein change: p.Thr324Asn; replaces threonine 324 with asparagine.
Molecular consequence: missense variant. On other transcripts: non-coding transcript variant (2).
Genome position (GRCh38, 1-based): chr1:45,331,792, G>T on the plus strand (C>A on the coding strand, the complement: MUTYH is on the minus strand). VCF-style: chr1-45331792-G-T. GRCh37 (hg19) VCF-style: chr1-45797464-G-T.
Other names: c.971C>A, p.Thr324Asn (NM_001048171.2, NM_001048173.2, NM_001293195.2); c.974C>A, p.Thr325Asn (NM_001048172.2); c.1055C>A, p.Thr352Asn (NM_001128425.2); c.1016C>A, p.Thr339Asn (NM_001293190.2); c.1004C>A, p.Thr335Asn (NM_001293191.2); c.695C>A, p.Thr232Asn (NM_001293192.2, NM_001293196.2); c.626C>A, p.Thr209Asn (NM_001350650.2, NM_001350651.2); c.1046C>A, p.Thr349Asn (NM_012222.3); short protein forms T352N, T349N, T232N, T209N, T324N, T335N, T339N, T325N.
Identifiers: ClinVar variation 141378 (VCV000141378.9), dbSNP rs587781703, ClinGen allele CA012047.
Genomic context (GRCh38, chr1:45,331,792, plus strand): 5'-GAGCTCTCCTCCCTGGGGGGCTTGCGGCTGGCCTTTCTGGGGAAGTTGACCACTCCCAGG[G>T]TCTGGTCCCAGGGCTCCGAGGGAGGCAGGCACAGGTGGCACTGTCCAGTGTTGGGAGCTG-3'
Protein context (NP_001041639.1, residues 314-334): CLPPSEPWDQ[Thr324Asn]LGVVNFPRKA

ClinVar aggregate classification (germline): Conflicting classifications of pathogenicity. Review status: criteria provided, conflicting classifications (1 of 4 stars). 2 submissions from 2 submitters: Uncertain significance (1); Benign (1). Last evaluated 2025-09-09.

Conditions:
Hereditary cancer-predisposing syndrome. Also called: Neoplastic Syndromes, Hereditary; Hereditary Cancer Syndrome; Tumor predisposition; Hereditary neoplastic syndrome. Identifiers: Orphanet 140162, MedGen C0027672, MeSH D009386, MONDO:0015356.
Familial adenomatous polyposis 2. Also called: MUTYH-associated polyposis; MUTYH Polyposis; FAP type 2; Adenomas, multiple colorectal; COLORECTAL ADENOMATOUS POLYPOSIS, AUTOSOMAL RECESSIVE; ADENOMAS, MULTIPLE COLORECTAL, AUTOSOMAL RECESSIVE. Identifiers: Orphanet 220460, Orphanet 247798, MedGen C3272841, MONDO:0012041, OMIM 608456.

Allele frequency attached by ClinVar (database versions not stated): TOPMed below 0.00001.
gnomAD v4.1: 9 of 1,613,040 alleles (0.00056%); highest among the groups gnomAD compares: Non-Finnish European, 0.00076%; no homozygotes.

Submissions (2):

Ambry Genetics
Classification: Benign for Hereditary cancer-predisposing syndrome. Last evaluated: 2025-09-09. Review status: criteria provided, single submitter. Criteria: Ambry Variant Classification Scheme 2023. Collection method: clinical testing. Allele origin: germline.

Labcorp Genetics (formerly Invitae), Labcorp
Classification: Uncertain significance for Familial adenomatous polyposis 2. Last evaluated: 2024-04-04. Review status: criteria provided, single submitter. Criteria: Invitae Variant Classification Sherloc (09022015). Collection method: clinical testing. Allele origin: germline.
Comment: This sequence change replaces threonine, which is neutral and polar, with asparagine, which is neutral and polar, at codon 352 of the MUTYH protein (p.Thr352Asn). The frequency data for this variant in the population databases is considered unreliable, as metrics indicate poor data quality at this position in the gnomAD database. This variant has not been reported in the literature in individuals affected with MUTYH-related conditions. ClinVar contains an entry for this variant (Variation ID: 141378). Algorithms developed to predict the effect of missense changes on protein structure and function output the following: SIFT: "Not Available"; PolyPhen-2: "Benign"; Align-GVGD: "Not Available". The asparagine amino acid residue is found in multiple mammalian species, which suggests that this missense change does not adversely affect protein function. In summary, the available evidence is currently insufficient to determine the role of this variant in disease. Therefore, it has been classified as a Variant of Uncertain Significance.

Literature cited by the submitters: PubMed 40738107 (cited by Ambry Genetics).